The following is an entry in ClinVar:

NM_000277.3(PAH):c.707-12_711del

Gene: PAH (phenylalanine hydroxylase; minus strand). Cytogenetic location: 12q23.2.
Variant type: Deletion.
Coding change: c.707-12_711del on transcript NM_000277.3 (MANE Select); 12 bases into the intron before coding-DNA position 707 through coding-DNA position 711, 17 bases deleted (TTTTCATCCCAGCTTGC).
Molecular consequence: splice acceptor variant.
Genome position (GRCh38, 1-based): chr12:102,852,946-102,852,962, GCAAGCTGGGATGAAAA deleted on the plus strand (TTTTCATCCCAGCTTGC on the coding strand, the reverse complement: PAH is on the minus strand); deleting any 17 consecutive bases within chr12:102,852,946-102,852,963 gives the same sequence; the c. name uses the placement nearest the transcript's 3' end. VCF-style (leftmost placement, unchanged base first): chr12-102852945-TGCAAGCTGGGATGAAAA-T. GRCh37 (hg19) VCF-style: chr12-103246723-TGCAAGCTGGGATGAAAA-T.
Other names: c.707-12_711del (NM_001354304.2).
Identifiers: ClinVar variation 527863 (VCV000527863.9), dbSNP rs1555204492, ClinGen allele CA658797946.

ClinVar aggregate classification (germline): Pathogenic/Likely pathogenic. Review status: criteria provided, multiple submitters, no conflicts (2 of 4 stars). 2 submissions from 2 submitters: Pathogenic (1); Likely pathogenic (1). Last evaluated 2023-04-13.

Conditions:
Phenylketonuria (PKU). Also called: Phenylketonurias; Phenylketonuria (PKU); OLIGOPHRENIA PHENYLPYRUVICA; FOLLING DISEASE. Identifiers: Orphanet 716, MedGen C0031485, MONDO:0009861, OMIM 261600. Disease mechanism: loss of function.

Submissions (2):

Baylor Genetics
Classification: Likely pathogenic for Phenylketonuria. Last evaluated: 2023-04-13. Review status: criteria provided, single submitter. Criteria: ACMG Guidelines, 2015. Collection method: clinical testing. Allele origin: unknown.

Labcorp Genetics (formerly Invitae), Labcorp
Classification: Pathogenic for Phenylketonuria. Last evaluated: 2023-02-09. Review status: criteria provided, single submitter. Criteria: Invitae Variant Classification Sherloc (09022015). Collection method: clinical testing. Allele origin: germline.
Comment: ClinVar contains an entry for this variant (Variation ID: 527863). For these reasons, this variant has been classified as Pathogenic. Algorithms developed to predict the effect of sequence changes on RNA splicing suggest that this variant may disrupt the consensus splice site. This variant has not been reported in the literature in individuals affected with PAH-related conditions. This variant is not present in population databases (gnomAD no frequency). This variant results in the deletion of part of exon 7 (c.707-12_711del) of the PAH gene. It is expected to disrupt RNA splicing. Variants that disrupt the donor or acceptor splice site typically lead to a loss of protein function (PMID: 16199547), and loss-of-function variants in PAH are known to be pathogenic (PMID: 1301187, 9634518).

Literature cited by the submitters: PubMed 16199547 (cited by Labcorp Genetics (formerly Invitae), Labcorp); PubMed 1301187 (cited by Labcorp Genetics (formerly Invitae), Labcorp); PubMed 9634518 (cited by Labcorp Genetics (formerly Invitae), Labcorp).